The following is an entry in ClinVar:

ClinVar aggregate classification (germline): Uncertain significance (1 of 4 stars; one submission).

Conditions:
Epidermolysis bullosa simplex 3, localized or generalized intermediate, with BP230 deficiency (EBS3). Also called: Epidermolysis bullosa simplex due to BP230 deficiency; Epidermolysis bullosa simplex, autosomal recessive 2. Identifiers: Orphanet 412181, MedGen C3809470, MONDO:0014180, OMIM 615425.
Hereditary sensory and autonomic neuropathy type 6. Also called: HSAN VI; Neuropathy, hereditary sensory and autonomic, type VI. Identifiers: Orphanet 314381, MedGen C3539003, MONDO:0013839, OMIM 614653.

Allele frequency attached by ClinVar (database versions not stated): gnomAD exomes below 0.00001.
gnomAD v4.1: 2 of 1,614,104 alleles (0.00012%); highest among the groups gnomAD compares: Non-Finnish European, 0.00017%; no homozygotes.

Submission:

Labcorp Genetics (formerly Invitae), Labcorp
Classification: Uncertain significance for Epidermolysis bullosa simplex 3, localized or generalized intermediate, with BP230 deficiency; Hereditary sensory and autonomic neuropathy type 6. Last evaluated: 2022-05-30. Review status: criteria provided, single submitter. Criteria: Invitae Variant Classification Sherloc (09022015). Collection method: clinical testing. Allele origin: germline.
Comment: This sequence change replaces threonine, which is neutral and polar, with isoleucine, which is neutral and non-polar, at codon 299 of the DST protein (p.Thr299Ile). This variant is not present in population databases (gnomAD no frequency). This variant has not been reported in the literature in individuals affected with DST-related conditions. Algorithms developed to predict the effect of missense changes on protein structure and function are either unavailable or do not agree on the potential impact of this missense change (SIFT: "Deleterious"; PolyPhen-2: "Benign"; Align-GVGD: "Class C0"). In summary, the available evidence is currently insufficient to determine the role of this variant in disease. Therefore, it has been classified as a Variant of Uncertain Significance.

NM_001374736.1(DST):c.2507C>T (p.Thr836Ile)

Gene: DST (dystonin; minus strand). Cytogenetic location: 6p12.1.
Variant type: single nucleotide variant.
Coding change: c.2507C>T on transcript NM_001374736.1 (MANE Select); coding-DNA position 2507, C replaced by T.
Protein change: p.Thr836Ile; replaces threonine 836 with isoleucine.
Molecular consequence: missense variant.
Genome position (GRCh38, 1-based): chr6:56,640,041, G>A on the plus strand (C>T on the coding strand, the complement: DST is on the minus strand). VCF-style: chr6-56640041-G-A. GRCh37 (hg19) VCF-style: chr6-56504839-G-A.
Other names: c.2408C>T, p.Thr803Ile (NM_001144769.5); c.1994C>T, p.Thr665Ile (NM_001144770.2); c.2507C>T, p.Thr836Ile (NM_001374722.1); c.1874C>T, p.Thr625Ile (NM_001374729.1, NM_001374730.1, NM_001386100.1 and 1 more transcripts); c.2534C>T, p.Thr845Ile (NM_001374734.1); c.896C>T, p.Thr299Ile (NM_001723.7, NM_015548.5); short protein forms T625I, T299I, T665I, T803I, T836I, T845I.
Identifiers: ClinVar variation 2026811 (VCV002026811.4), dbSNP rs2537163600, ClinGen allele CA364578162.
Genomic context (GRCh38, chr6:56,640,041, plus strand): 5'-TGAACATTTTTATGATTTTCTAAATGGCTTTCAACACTTGGCAAATCTGAGCCCCACTCA[G>A]TGCGGTCCAGTTGTACCTTCAGACAGTAAAATACTAAGTTTAAAAAAGAAATTGATAACA-3'
Protein context (NP_001361665.1, residues 826-846): VDEMQVQLDR[Thr836Ile]EWGSDLPSVE